The following is an entry in ClinVar:

ClinVar aggregate classification (germline): Uncertain significance. Review status: criteria provided, multiple submitters, no conflicts (2 of 4 stars). 2 submissions from 2 submitters: Uncertain significance (2). Last evaluated 2024-02-22.

Allele frequency attached by ClinVar (database versions not stated): gnomAD 0.00001; gnomAD exomes 0.00001; ExAC 0.00002; TOPMed 0.00002; ESP Exome Variant Server 0.00008.
gnomAD v4.1: 16 of 1,614,094 alleles (0.00099%); highest among the groups gnomAD compares: Admixed American, 0.0017%; no homozygotes.

Submissions (2):

Labcorp Genetics (formerly Invitae), Labcorp
Classification: Uncertain significance. Last evaluated: 2024-02-22. Review status: criteria provided, single submitter. Criteria: Invitae Variant Classification Sherloc (09022015). Collection method: clinical testing. Allele origin: germline.
Comment: This sequence change replaces arginine, which is basic and polar, with cysteine, which is neutral and slightly polar, at codon 309 of the LPL protein (p.Arg309Cys). This variant is present in population databases (rs377421145, gnomAD 0.003%). This missense change has been observed in individual(s) with clinical features of dyslipidemia (PMID: 32041611). ClinVar contains an entry for this variant (Variation ID: 2503904). Advanced modeling of protein sequence and biophysical properties (such as structural, functional, and spatial information, amino acid conservation, physicochemical variation, residue mobility, and thermodynamic stability) performed at Invitae indicates that this missense variant is expected to disrupt LPL protein function with a positive predictive value of 80%. In summary, the available evidence is currently insufficient to determine the role of this variant in disease. Therefore, it has been classified as a Variant of Uncertain Significance.

Women's Health and Genetics/Laboratory Corporation of America, LabCorp
Classification: Uncertain significance. Last evaluated: 2023-04-27. Review status: criteria provided, single submitter. Criteria: LabCorp Variant Classification Summary - May 2015. Collection method: clinical testing. Allele origin: germline.
Comment: Variant summary: LPL c.925C>T (p.Arg309Cys) results in a non-conservative amino acid change located in the Lipase (IPR013818) of the encoded protein sequence. Five of five in-silico tools predict a damaging effect of the variant on protein function. The variant allele was found at a frequency of 1.2e-05 in 251352 control chromosomes. The available data on variant occurrences in the general population are insufficient to allow any conclusion about variant significance. c.925C>T has been reported in the literature in individuals affected with unspecified Dyslipidemia (Dron_2020) without strong evidence for causality. This report does not provide unequivocal conclusions about association of the variant with Familial Lipoprotein Lipase Deficiency. To our knowledge, no experimental evidence demonstrating an impact on protein function has been reported. The following publications have been ascertained in the context of this evaluation (PMID: 32041611). No clinical diagnostic laboratories have submitted clinical-significance assessments for this variant to ClinVar after 2014. Based on the evidence outlined above, the variant was classified as uncertain significance.

Literature cited by the submitters: PubMed 32041611 (cited by Labcorp Genetics (formerly Invitae), Labcorp and Women's Health and Genetics/Laboratory Corporation of America, LabCorp).

NM_000237.3(LPL):c.925C>T (p.Arg309Cys)

Gene: LPL (lipoprotein lipase; plus strand). Cytogenetic location: 8p21.3.
Variant type: single nucleotide variant.
Coding change: c.925C>T on transcript NM_000237.3 (MANE Select); coding-DNA position 925, C replaced by T.
Protein change: p.Arg309Cys; replaces arginine 309 with cysteine.
Molecular consequence: missense variant.
Genome position (GRCh38, 1-based): chr8:19,955,990, C>T. VCF-style: chr8-19955990-C-T. GRCh37 (hg19) VCF-style: chr8-19813501-C-T.
Other names: c.925C>T (NM_000237.2); short protein forms R309C.
Identifiers: ClinVar variation 2503904 (VCV002503904.2), dbSNP rs377421145, ClinGen allele CA4655561.